The following is an entry in ClinVar:

ClinVar aggregate classification (germline): Uncertain significance (1 of 4 stars; one submission).

Submission:

Labcorp Genetics (formerly Invitae), Labcorp
Classification: Uncertain significance. Last evaluated: 2022-06-17. Review status: criteria provided, single submitter. Criteria: Invitae Variant Classification Sherloc (09022015). Collection method: clinical testing. Allele origin: germline.
Comment: This variant has not been reported in the literature in individuals affected with STN1-related conditions. This variant is not present in population databases (gnomAD no frequency). This sequence change replaces asparagine, which is neutral and polar, with lysine, which is basic and polar, at codon 85 of the STN1 protein (p.Asn85Lys). Algorithms developed to predict the effect of missense changes on protein structure and function are either unavailable or do not agree on the potential impact of this missense change (SIFT: "Deleterious"; PolyPhen-2: "Benign"; Align-GVGD: "Class C25"). In summary, the available evidence is currently insufficient to determine the role of this variant in disease. Therefore, it has been classified as a Variant of Uncertain Significance.

NM_024928.5(STN1):c.255C>A (p.Asn85Lys)

Gene: STN1 (STN1 subunit of CST complex; minus strand). Cytogenetic location: 10q24.33.
Variant type: single nucleotide variant.
Coding change: c.255C>A on transcript NM_024928.5 (MANE Select); coding-DNA position 255, C replaced by A.
Protein change: p.Asn85Lys; replaces asparagine 85 with lysine.
Molecular consequence: missense variant.
Genome position (GRCh38, 1-based): chr10:103,905,131, G>T on the plus strand (C>A on the coding strand, the complement: STN1 is on the minus strand). VCF-style: chr10-103905131-G-T. GRCh37 (hg19) VCF-style: chr10-105664889-G-T.
Other names: short protein forms N85K.
Identifiers: ClinVar variation 2007657 (VCV002007657.4), dbSNP rs2493043613, ClinGen allele CA378048171.
Genomic context (GRCh38, chr10:103,905,131, plus strand): 5'-AATGTGGCAAATAAAATTACCTGATACAGACTCAGTATTCAACTTTTTCCAGCAGATGCA[G>T]TTTATAACTCCAGTGCTGTCATCCACTGCAAGAGAAAAGCAAAAGGGTATAAGAGAGATT-3'
Protein context (NP_079204.2, residues 75-95): YGVDDSTGVI[Asn85Lys]CICWKKLNTE